The following is an entry in ClinVar:

ClinVar aggregate classification (germline): Conflicting classifications of pathogenicity. Review status: criteria provided, conflicting classifications (1 of 4 stars). 2 submissions from 2 submitters: Uncertain significance (1); Likely benign (1). Last evaluated 2023-03-23.

Conditions:
Hereditary breast ovarian cancer syndrome. Also called: Breast and ovarian cancer; BRCA1- and BRCA2-Associated Hereditary Breast and Ovarian Cancer; Hereditary breast and ovarian cancer; Hereditary breast and/or ovarian cancer syndrome; Hereditary breast and ovarian cancer syndrome; Hereditary breast and ovarian cancer syndrome (HBOC). Identifiers: Orphanet 145, MedGen C0677776, MeSH D061325, MONDO:0003582. Disease mechanism: loss of function.
Hereditary cancer-predisposing syndrome. Also called: Neoplastic Syndromes, Hereditary; Tumor predisposition; Hereditary Cancer Syndrome; Hereditary neoplastic syndrome. Identifiers: Orphanet 140162, MedGen C0027672, MeSH D009386, MONDO:0015356.

Submissions (2):

University of Washington Department of Laboratory Medicine, University of Washington
Classification: Likely benign for Hereditary cancer-predisposing syndrome. Last evaluated: 2023-03-23. Review status: criteria provided, single submitter. Criteria: Dines et al. (Genet Med. 2020). Collection method: curation. Allele origin: germline.
Comment: Missense variant in a coldspot region where missense variants are very unlikely to be pathogenic (PMID:31911673).

BRCA2 exon 11 coldspot. Reclassification based on statistical prior probability.

Labcorp Genetics (formerly Invitae), Labcorp
Classification: Uncertain significance for Hereditary breast ovarian cancer syndrome. Last evaluated: 2018-08-07. Review status: criteria provided, single submitter. Criteria: Invitae Variant Classification Sherloc (09022015). Collection method: clinical testing. Allele origin: germline.
Comment: In summary, the available evidence is currently insufficient to determine the role of this variant in disease. Therefore, it has been classified as a Variant of Uncertain Significance. Algorithms developed to predict the effect of missense changes on protein structure and function are either unavailable or do not agree on the potential impact of this missense change (SIFT: "Deleterious"; PolyPhen-2: "Probably Damaging"; Align-GVGD: "Class C0"). This sequence change replaces lysine with glutamine at codon 1015 of the BRCA2 protein (p.Lys1015Gln). The lysine residue is highly conserved and there is a small physicochemical difference between lysine and glutamine. This variant is not present in population databases (ExAC no frequency). This variant has not been reported in the literature in individuals with BRCA2-related disease.

NM_000059.4(BRCA2):c.3043A>C (p.Lys1015Gln)

Gene: BRCA2 (BRCA2 DNA repair associated; plus strand). Cytogenetic location: 13q13.1.
Variant type: single nucleotide variant.
Coding change: c.3043A>C on transcript NM_000059.4 (MANE Select); coding-DNA position 3043, A replaced by C.
Protein change: p.Lys1015Gln; replaces lysine 1015 with glutamine.
Molecular consequence: missense variant.
Genome position (GRCh38, 1-based): chr13:32,337,398, A>C. VCF-style: chr13-32337398-A-C. GRCh37 (hg19) VCF-style: chr13-32911535-A-C.
Other names: short protein forms K1015Q.
Identifiers: ClinVar variation 652747 (VCV000652747.10), dbSNP rs397507652, ClinGen allele CA387775011.
Genomic context (GRCh38, chr13:32,337,398, plus strand): 5'-GGACTCTTAGGTCCAATTTCAAATCACAGTTTTGGAGGTAGCTTCAGAACAGCTTCAAAT[A>C]AGGAAATCAAGCTCTCTGAACATAACATTAAGAAGAGCAAAATGTTCTTCAAAGATATTG-3'
Protein context (NP_000050.3, residues 1005-1025): FGGSFRTASN[Lys1015Gln]EIKLSEHNIK